The following is an entry in ClinVar:

ClinVar aggregate classification (germline): Uncertain significance (1 of 4 stars; one submission).

Conditions:
Hereditary cancer-predisposing syndrome. Also called: Tumor predisposition; Hereditary neoplastic syndrome; Hereditary Cancer Syndrome; Neoplastic Syndromes, Hereditary. Identifiers: Orphanet 140162, MedGen C0027672, MeSH D009386, MONDO:0015356.

Submission:

Ambry Genetics
Classification: Uncertain significance for Hereditary cancer-predisposing syndrome. Last evaluated: 2023-12-29. Review status: criteria provided, single submitter. Criteria: Ambry Variant Classification Scheme 2023. Collection method: clinical testing. Allele origin: germline.
Comment: The p.A153T variant (also known as c.457G>A), located in coding exon 3 of the XRCC2 gene, results from a G to A substitution at nucleotide position 457. The alanine at codon 153 is replaced by threonine, an amino acid with similar properties. This amino acid position is conserved. In addition, this alteration is predicted to be tolerated by in silico analysis. Since supporting evidence is limited at this time, the clinical significance of this alteration remains unclear.

NM_005431.2(XRCC2):c.457G>A (p.Ala153Thr)

Gene: XRCC2 (X-ray repair cross complementing 2; minus strand). Cytogenetic location: 7q36.1.
Variant type: single nucleotide variant.
Coding change: c.457G>A on transcript NM_005431.2 (MANE Select); coding-DNA position 457, G replaced by A.
Protein change: p.Ala153Thr; replaces alanine 153 with threonine.
Molecular consequence: missense variant.
Genome position (GRCh38, 1-based): chr7:152,649,028, C>T on the plus strand (G>A on the coding strand, the complement: XRCC2 is on the minus strand). VCF-style: chr7-152649028-C-T. GRCh37 (hg19) VCF-style: chr7-152346113-C-T.
Other names: short protein forms A153T.
Identifiers: ClinVar variation 3224677 (VCV003224677.1), dbSNP rs2485881274, ClinGen allele CA370198656.